The following is an entry in ClinVar:

ClinVar aggregate classification (germline): Uncertain significance (1 of 4 stars; one submission).

Conditions:
Very long chain acyl-CoA dehydrogenase deficiency (ACADVLD). Also called: VLCAD Deficiency; Very Long-Chain Acyl-Coenzyme A Dehydrogenase Deficiency. Identifiers: Orphanet 26793, MedGen C3887523, MONDO:0008723, OMIM 201475.

Submission:

Labcorp Genetics (formerly Invitae), Labcorp
Classification: Uncertain significance for Very long chain acyl-CoA dehydrogenase deficiency. Last evaluated: 2022-02-04. Review status: criteria provided, single submitter. Criteria: Invitae Variant Classification Sherloc (09022015). Collection method: clinical testing. Allele origin: germline.
Comment: This variant, c.1192_1206dup, results in the insertion of 5 amino acid(s) of the ACADVL protein (p.Tyr398_Ala402dup), but otherwise preserves the integrity of the reading frame. This variant is not present in population databases (gnomAD no frequency). This variant has not been reported in the literature in individuals affected with ACADVL-related conditions. Algorithms developed to predict the effect of sequence changes on RNA splicing suggest that this variant may create or strengthen a splice site. In summary, the available evidence is currently insufficient to determine the role of this variant in disease. Therefore, it has been classified as a Variant of Uncertain Significance.

NM_000018.4(ACADVL):c.1192_1206dup (p.Tyr398_Ala402dup)

Gene: ACADVL (acyl-CoA dehydrogenase very long chain; plus strand). Cytogenetic location: 17p13.1.
Variant type: Duplication.
Coding change: c.1192_1206dup on transcript NM_000018.4 (MANE Select); coding-DNA positions 1192 to 1206, 15 bases duplicated (TACATGGTGAGTGCT).
Protein change: p.Tyr398_Ala402dup.
Molecular consequence: inframe insertion.
Genome position (GRCh38, 1-based): chr17:7,223,653-7,223,667, TACATGGTGAGTGCT duplicated; duplicating any 15 consecutive bases within chr17:7,223,650-7,223,667 gives the same sequence; the c. name uses the placement nearest the transcript's 3' end. VCF-style (leftmost placement, unchanged base first): chr17-7223649-G-GGCTTACATGGTGAGT. GRCh37 (hg19) VCF-style: chr17-7126968-G-GGCTTACATGGTGAGT.
Other names: c.1126_1140dup, p.Tyr376_Ala380dup (NM_001033859.3); c.1261_1275dup, p.Tyr421_Ala425dup (NM_001270447.2); c.964_978dup, p.Tyr322_Ala326dup (NM_001270448.2).
Identifiers: ClinVar variation 1345301 (VCV001345301.8), dbSNP rs2142984192, ClinGen allele CA2573154571.